The following is an entry in ClinVar:

NM_005219.5(DIAPH1):c.3662-3C>T

Gene: DIAPH1 (diaphanous related formin 1; minus strand). Cytogenetic location: 5q31.3.
Variant type: single nucleotide variant.
Coding change: c.3662-3C>T on transcript NM_005219.5 (MANE Select); 3 bases into the intron before coding-DNA position 3662, C replaced by T.
Molecular consequence: intron variant.
Genome position (GRCh38, 1-based): chr5:141,517,011, G>A on the plus strand (C>T on the coding strand, the complement: DIAPH1 is on the minus strand). VCF-style: chr5-141517011-G-A. GRCh37 (hg19) VCF-style: chr5-140896578-G-A.
Other names: c.3635-3C>T (NM_001079812.3); c.3715-3C>T (NM_001314007.2).
Identifiers: ClinVar variation 1980131 (VCV001980131.4), dbSNP rs752983682, ClinGen allele CA3478681.

ClinVar aggregate classification (germline): Uncertain significance (1 of 4 stars; one submission).

Conditions:
Autosomal dominant nonsyndromic hearing loss 1. Also called: KONIGSMARK SYNDROME; DEAFNESS, AUTOSOMAL DOMINANT 1, WITH OR WITHOUT THROMBOCYTOPENIA. Identifiers: Orphanet 90635, MedGen C1852282, MONDO:0007424, OMIM 124900.
Progressive microcephaly-seizures-cortical blindness-developmental delay syndrome. Also called: Seizures, cortical blindness, and microcephaly syndrome. Identifiers: Orphanet 477814, MedGen C5567650, MONDO:0014714, OMIM 616632.

Allele frequency attached by ClinVar (database versions not stated): ExAC 0.00001; gnomAD 0.00001; gnomAD exomes 0.00001; TOPMed 0.00001.
gnomAD v4.1: 20 of 1,614,048 alleles (0.0012%); highest among the groups gnomAD compares: Non-Finnish European, 0.0016%; no homozygotes.

Submission:

Labcorp Genetics (formerly Invitae), Labcorp
Classification: Uncertain significance for Progressive microcephaly-seizures-cortical blindness-developmental delay syndrome; Autosomal dominant nonsyndromic hearing loss 1. Last evaluated: 2024-08-28. Review status: criteria provided, single submitter. Criteria: Invitae Variant Classification Sherloc (09022015). Collection method: clinical testing. Allele origin: germline.
Comment: This sequence change falls in intron 27 of the DIAPH1 gene. It does not directly change the encoded amino acid sequence of the DIAPH1 protein. It affects a nucleotide within the consensus splice site. This variant is present in population databases (rs752983682, gnomAD 0.002%). This variant has not been reported in the literature in individuals affected with DIAPH1-related conditions. ClinVar contains an entry for this variant (Variation ID: 1980131). Variants that disrupt the consensus splice site are a relatively common cause of aberrant splicing (PMID: 17576681, 9536098). Algorithms developed to predict the effect of sequence changes on RNA splicing suggest that this variant is not likely to affect RNA splicing. In summary, the available evidence is currently insufficient to determine the role of this variant in disease. Therefore, it has been classified as a Variant of Uncertain Significance.

Literature cited by the submitters: PubMed 17576681; PubMed 9536098.